The following is an entry in ClinVar:

ClinVar aggregate classification (germline): Uncertain significance (1 of 4 stars; one submission).

Conditions:
Ataxia-telangiectasia syndrome (AT). Also called: ATAXIA-TELANGIECTASIA, FRESNO VARIANT; Ataxia-telangiectasia, complementation group D; Cerebello-oculocutaneous telangiectasia; Immunodeficiency with ataxia telangiectasia; Ataxia-telangiectasia; Ataxia telangiectasia (A-T). Identifiers: Orphanet 100, MedGen C0004135, MONDO:0008840, OMIM 208900.

Submission:

Labcorp Genetics (formerly Invitae), Labcorp
Classification: Uncertain significance for Ataxia-telangiectasia syndrome. Last evaluated: 2018-09-04. Review status: criteria provided, single submitter. Criteria: Invitae Variant Classification Sherloc (09022015). Collection method: clinical testing. Allele origin: germline.
Comment: This sequence change replaces aspartic acid with valine at codon 1616 of the ATM protein (p.Asp1616Val). The aspartic acid residue is moderately conserved and there is a large physicochemical difference between aspartic acid and valine. This variant is not present in population databases (ExAC no frequency). This variant has not been reported in the literature in individuals with ATM-related disease. Algorithms developed to predict the effect of missense changes on protein structure and function are either unavailable or do not agree on the potential impact of this missense change (SIFT: "Deleterious"; PolyPhen-2: "Benign"; Align-GVGD: "Class C15"). Algorithms developed to predict the effect of sequence changes on RNA splicing suggest that this variant may create or strengthen a splice site, but this prediction has not been confirmed by published transcriptional studies. In summary, the available evidence is currently insufficient to determine the role of this variant in disease. Therefore, it has been classified as a Variant of Uncertain Significance.

NM_000051.4(ATM):c.4847A>T (p.Asp1616Val)

Gene: ATM (ATM serine/threonine kinase; plus strand). Cytogenetic location: 11q22.3.
Variant type: single nucleotide variant.
Coding change: c.4847A>T on transcript NM_000051.4 (MANE Select); coding-DNA position 4847, A replaced by T.
Protein change: p.Asp1616Val; replaces aspartic acid 1616 with valine.
Molecular consequence: missense variant.
Genome position (GRCh38, 1-based): chr11:108,294,997, A>T. VCF-style: chr11-108294997-A-T. GRCh37 (hg19) VCF-style: chr11-108165724-A-T.
Other names: c.4847A>T, p.Asp1616Val (NM_001351834.2); short protein forms D1616V.
Identifiers: ClinVar variation 653592 (VCV000653592.8), dbSNP rs1591684782, ClinGen allele CA382536933.
Genomic context (GRCh38, chr11:108,294,997, plus strand): 5'-ATTTTCTCTCAGTAAGTGTTTATGATGCACTTCCATTGACAAGACTTGAAGGACTAAAGG[A>T]TCTTCGAAGACAACTGGAACTACATAAAGATCAGATGGTGGACATTATGAGAGCTTCTCA-3'
Protein context (NP_000042.3, residues 1606-1626): LPLTRLEGLK[Asp1616Val]LRRQLELHKD